The following is an entry in ClinVar:

NM_152564.5(VPS13B):c.10964_10979del (p.Glu3655fs)

Gene: VPS13B (vacuolar protein sorting 13 homolog B; plus strand). Cytogenetic location: 8q22.2.
Variant type: Deletion.
Coding change: c.10964_10979del on transcript NM_152564.5 (MANE Select); coding-DNA positions 10964 to 10979, 16 bases deleted (AGGGGCTGACCCGGGG).
Protein change: p.Glu3655fs; shifts the reading frame from glutamic acid 3655.
Molecular consequence: frameshift variant.
Genome position (GRCh38, 1-based): chr8:99,859,400-99,859,415, AGGGGCTGACCCGGGG deleted; deleting any 16 consecutive bases within chr8:99,859,399-99,859,415 gives the same sequence; the c. name uses the placement nearest the transcript's 3' end. VCF-style (leftmost placement, unchanged base first): chr8-99859398-TGAGGGGCTGACCCGGG-T. GRCh37 (hg19) VCF-style: chr8-100871626-TGAGGGGCTGACCCGGG-T.
Other names: c.11039_11054del, p.Glu3680fs (NM_017890.5); short protein forms E3655fs, E3680fs.
Identifiers: ClinVar variation 3654472 (VCV003654472.2).
Genomic context (GRCh38, chr8:99,859,398, plus strand): 5'-CCCTGCAAGCCTGGTGAGAAGCATCGGGAACGGGGTCGCCGACTTCTTCAGGCTTCCGTA[TGAGGGGCTGACCCGGG>T]GCCCTGGAGCCTTCGTGAGTGGCGTCTCCAGAGGGACCACATCGTTTGTAAAGCACATCT-3'

ClinVar aggregate classification (germline): Pathogenic (1 of 4 stars; one submission).

Conditions:
Cohen syndrome (COH1). Also called: PEPPER SYNDROME; Cutis verticis gyrata, retinitis pigmentosa, and sensorineural deafness. Identifiers: Orphanet 193, MedGen C0265223, MONDO:0008999, OMIM 216550.

Submission:

Labcorp Genetics (formerly Invitae), Labcorp
Classification: Pathogenic for Cohen syndrome. Last evaluated: 2024-05-23. Review status: criteria provided, single submitter. Criteria: Invitae Variant Classification Sherloc (09022015). Collection method: clinical testing. Allele origin: germline.
Comment: This sequence change creates a premature translational stop signal (p.Glu3680Alafs*6) in the VPS13B gene. It is expected to result in an absent or disrupted protein product. Loss-of-function variants in VPS13B are known to be pathogenic (PMID: 15141358, 16648375, 20461111). This variant is not present in population databases (gnomAD no frequency). This variant has not been reported in the literature in individuals affected with VPS13B-related conditions. For these reasons, this variant has been classified as Pathogenic.

Literature cited by the submitters: PubMed 15141358; PubMed 16648375; PubMed 20461111.